The following is an entry in ClinVar:

ClinVar aggregate classification (germline): Uncertain significance (1 of 4 stars; one submission).

Conditions:
Inborn genetic diseases. Identifiers: MedGen C0950123, MeSH D030342.

gnomAD v4.1: 1 of 1,561,292 alleles (0.000064%); highest among the groups gnomAD compares: East Asian, 0.0022%; no homozygotes.

Submission:

Ambry Genetics
Classification: Uncertain significance for Inborn genetic diseases. Last evaluated: 2025-10-25. Review status: criteria provided, single submitter. Criteria: Ambry Variant Classification Scheme 2023. Collection method: clinical testing. Allele origin: germline.
Comment: The p.V857L variant (also known as c.2569G>T), located in coding exon 14 of the FANCM gene, results from a G to T substitution at nucleotide position 2569. The valine at codon 857 is replaced by leucine, an amino acid with highly similar properties. This amino acid position is conserved. In addition, this alteration is predicted to be tolerated by in silico analysis. Based on the available evidence, the clinical significance of this variant remains unclear.

NM_020937.4(FANCM):c.2569G>T (p.Val857Leu)

Gene: FANCM (FA complementation group M; plus strand). Cytogenetic location: 14q21.2.
Variant type: single nucleotide variant.
Coding change: c.2569G>T on transcript NM_020937.4 (MANE Select); coding-DNA position 2569, G replaced by T.
Protein change: p.Val857Leu; replaces valine 857 with leucine.
Molecular consequence: missense variant.
Genome position (GRCh38, 1-based): chr14:45,175,323, G>T. VCF-style: chr14-45175323-G-T. GRCh37 (hg19) VCF-style: chr14-45644526-G-T.
Other names: c.2491G>T, p.Val831Leu (NM_001308133.2); short protein forms V857L, V831L.
Identifiers: ClinVar variation 4619519 (VCV004619519.1).